The following is an entry in ClinVar:

NM_001267550.2(TTN):c.105134A>G (p.Asp35045Gly)

Genes: TTN-AS1 (TTN antisense RNA 1; plus strand), TTN (titin; minus strand), LOC129935185 (ATAC-STARR-seq lymphoblastoid active region 16810; plus strand). Cytogenetic location: 2q31.2.
Variant type: single nucleotide variant.
Coding change: c.105134A>G on transcript NM_001267550.2 (MANE Select); coding-DNA position 105134, A replaced by G.
Protein change: p.Asp35045Gly; replaces aspartic acid 35045 with glycine.
Molecular consequence: missense variant.
Genome position (GRCh38, 1-based): chr2:178,531,481, T>C on the plus strand (A>G on the coding strand, the complement: TTN is on the minus strand). VCF-style: chr2-178531481-T-C. GRCh37 (hg19) VCF-style: chr2-179396208-T-C.
Other names: c.100211A>G, p.Asp33404Gly (NM_001256850.1); c.77939A>G, p.Asp25980Gly (NM_003319.4); c.97430A>G, p.Asp32477Gly (NM_133378.4); c.78314A>G, p.Asp26105Gly (NM_133432.3); c.78515A>G, p.Asp26172Gly (NM_133437.4); short protein forms D33404G, D26172G, D32477G, D25980G, D35045G, D26105G.
Identifiers: ClinVar variation 4790097 (VCV004790097.1).

ClinVar aggregate classification (germline): Uncertain significance (1 of 4 stars; one submission).

Conditions:
Autosomal recessive limb-girdle muscular dystrophy type 2J (LGMDR10). Also called: Limb-girdle muscular dystrophy, type 2J; MUSCULAR DYSTROPHY, LIMB-GIRDLE, AUTOSOMAL RECESSIVE 10. Identifiers: Orphanet 140922, MedGen C1837342, MONDO:0012127, OMIM 608807.
Dilated cardiomyopathy 1G (CMD1G). Identifiers: Orphanet 154, MedGen C1858763, MONDO:0011400, OMIM 604145.

Submission:

Labcorp Genetics (formerly Invitae), Labcorp
Classification: Uncertain significance for Dilated cardiomyopathy 1G; Autosomal recessive limb-girdle muscular dystrophy type 2J. Last evaluated: 2026-01-21. Review status: criteria provided, single submitter. Criteria: Invitae Variant Classification Sherloc (09022015). Collection method: clinical testing. Allele origin: germline.
Comment: This sequence change replaces aspartic acid, which is acidic and polar, with glycine, which is neutral and non-polar, at codon 35045 of the TTN protein (p.Asp35045Gly). This variant is not present in population databases (gnomAD no frequency). This variant has not been reported in the literature in individuals affected with TTN-related conditions. Experimental studies and prediction algorithms are not available or were not evaluated, and the functional significance of this variant is currently unknown. This variant is located in the M band of TTN (PMID: 25589632). Non-truncating variants in this region may be relevant for neuromuscular disorders, but have not been definitively shown to cause cardiomyopathy (PMID: 23975875). In summary, the available evidence is currently insufficient to determine the role of this variant in disease. Therefore, it has been classified as a Variant of Uncertain Significance.

Literature cited by the submitters: PubMed 25589632; PubMed 23975875.